The following is an entry in ClinVar:

NM_015272.5(RPGRIP1L):c.1258C>G (p.Leu420Val)

Gene: RPGRIP1L (RPGRIP1 like; minus strand). Cytogenetic location: 16q12.2.
Variant type: single nucleotide variant.
Coding change: c.1258C>G on transcript NM_015272.5 (MANE Select); coding-DNA position 1258, C replaced by G.
Protein change: p.Leu420Val; replaces leucine 420 with valine.
Molecular consequence: missense variant.
Genome position (GRCh38, 1-based): chr16:53,658,864, G>C on the plus strand (C>G on the coding strand, the complement: RPGRIP1L is on the minus strand). VCF-style: chr16-53658864-G-C. GRCh37 (hg19) VCF-style: chr16-53692776-G-C.
Other names: c.1258C>G, p.Leu420Val (NM_001127897.4, NM_001308334.3, NM_001330538.2); c.1258C>G (NM_015272.4); short protein forms L420V.
Identifiers: ClinVar variation 856507 (VCV000856507.11), dbSNP rs1967511576, ClinGen allele CA395920552.
Genomic context (GRCh38, chr16:53,658,864, plus strand): 5'-CATCAAGTTGTTGCTTTTGTTCCAGATACTGTAACTGTAGTTCTCTATTCTCTTGAACGA[G>C]TTTTTCATTTTGATCTTAAAAATAAAGTCCACACAATTGGAAAGGTAAGTAAAAATCAGG-3'
Protein context (NP_056087.2, residues 410-430): LKTERDQNEK[Leu420Val]VQENRELQLQ

ClinVar aggregate classification (germline): Uncertain significance. Review status: criteria provided, multiple submitters, no conflicts (2 of 4 stars). 2 submissions from 2 submitters: Uncertain significance (2). Last evaluated 2026-06-10.

Conditions:
RPGRIP1L-related disorder. Also called: RPGRIP1L-related disorders; RPGRIP1L-related condition. Identifiers: MedGen CN239416.
Meckel-Gruber syndrome. Also called: GRUBER SYNDROME; DYSENCEPHALIA SPLANCHNOCYSTICA; Dysencephalia splachnocystica. Identifiers: Orphanet 564, MedGen C0265215, MONDO:0018921.
Joubert syndrome. Also called: Familial aplasia of the vermis; JOUBERT-BOLTSHAUSER SYNDROME. Identifiers: Orphanet 475, MedGen C5979921, MONDO:0018772.

Submissions (2):

PreventionGenetics, part of Exact Sciences
Classification: Uncertain significance for RPGRIP1L-related condition. Last evaluated: 2026-06-10. Review status: criteria provided, single submitter. Criteria: ACMG Guidelines, 2015. Collection method: clinical testing. Allele origin: germline.
Comment: The RPGRIP1L c.1258C>G variant is predicted to result in the amino acid substitution p.Leu420Val. To our knowledge, this variant has not been reported in the literature or in a large population database (gnomAD), indicating this variant is rare. At this time, the clinical significance of this variant is uncertain due to the absence of conclusive functional and genetic evidence.

Labcorp Genetics (formerly Invitae), Labcorp
Classification: Uncertain significance for Joubert syndrome; Meckel-Gruber syndrome. Last evaluated: 2022-07-12. Review status: criteria provided, single submitter. Criteria: Invitae Variant Classification Sherloc (09022015). Collection method: clinical testing. Allele origin: germline.
Comment: In summary, the available evidence is currently insufficient to determine the role of this variant in disease. Therefore, it has been classified as a Variant of Uncertain Significance. Algorithms developed to predict the effect of missense changes on protein structure and function output the following: SIFT: "Tolerated"; PolyPhen-2: "Benign"; Align-GVGD: "Class C0". The valine amino acid residue is found in multiple mammalian species, which suggests that this missense change does not adversely affect protein function. ClinVar contains an entry for this variant (Variation ID: 856507). This variant has not been reported in the literature in individuals affected with RPGRIP1L-related conditions. This variant is not present in population databases (gnomAD no frequency). This sequence change replaces leucine, which is neutral and non-polar, with valine, which is neutral and non-polar, at codon 420 of the RPGRIP1L protein (p.Leu420Val).